The following is an entry in ClinVar:

ClinVar aggregate classification (germline): Pathogenic (1 of 4 stars; one submission).

Conditions:
Diamond-Blackfan anemia. Also called: Blackfan Diamond syndrome; Aregenerative anemia chronic congenital; Red cell aplasia, pure hereditary; Congenital hypoplastic anemia; Aase syndrome. Identifiers: Orphanet 124, MedGen C1260899, MeSH D029503, MONDO:0015253, HP:0004810.
GATA binding protein 1 related thrombocytopenia with dyserythropoiesis. Also called: GATA1-Related Cytopenia; GATA1-Related X-Linked Cytopenia. Identifiers: MedGen C1845837, MONDO:0100089.

Submission:

Labcorp Genetics (formerly Invitae), Labcorp
Classification: Pathogenic for GATA binding protein 1 related thrombocytopenia with dyserythropoiesis; Diamond-Blackfan anemia. Last evaluated: 2024-05-02. Review status: criteria provided, single submitter. Criteria: Invitae Variant Classification Sherloc (09022015). Collection method: clinical testing. Allele origin: germline.
Comment: This sequence change creates a premature translational stop signal (p.Phe34Leufs*6) in the GATA1 gene. It is expected to result in an absent or disrupted protein product. Loss-of-function variants in GATA1 are known to be pathogenic (PMID: 16783379, 22706301, 23704091, 24453067). This variant is not present in population databases (gnomAD no frequency). This variant has not been reported in the literature in individuals affected with GATA1-related conditions. ClinVar contains an entry for this variant (Variation ID: 862155). For these reasons, this variant has been classified as Pathogenic.

Literature cited by the submitters: PubMed 16783379; PubMed 22706301; PubMed 23704091; PubMed 24453067.

NM_002049.4(GATA1):c.98dup (p.Phe34fs)

Gene: GATA1 (GATA binding protein 1; plus strand). Cytogenetic location: Xp11.23.
Variant type: Duplication.
Coding change: c.98dup on transcript NM_002049.4 (MANE Select); coding-DNA position 98, one base duplicated (T; older notation c.98dupT).
Protein change: p.Phe34fs; shifts the reading frame from phenylalanine 34.
Molecular consequence: frameshift variant.
Genome position (GRCh38, 1-based): chrX:48,791,207, T duplicated; the last of 4 consecutive T bases (chrX:48,791,204-48,791,207); duplicating any one gives the same sequence. VCF-style (leftmost placement, unchanged base first): chrX-48791203-G-GT. GRCh37 (hg19) VCF-style: chrX-48649610-G-GT.
Other names: short protein forms F34fs.
Identifiers: ClinVar variation 862155 (VCV000862155.8), dbSNP rs2062673787, ClinGen allele CA916081978.